The following is an entry in ClinVar:

NM_000090.4(COL3A1):c.40G>T (p.Ala14Ser)

Gene: COL3A1 (collagen type III alpha 1 chain; plus strand). Cytogenetic location: 2q32.2.
Variant type: single nucleotide variant.
Coding change: c.40G>T on transcript NM_000090.4 (MANE Select); coding-DNA position 40, G replaced by T.
Protein change: p.Ala14Ser; replaces alanine 14 with serine.
Molecular consequence: missense variant.
Genome position (GRCh38, 1-based): chr2:188,974,529, G>T. VCF-style: chr2-188974529-G-T. GRCh37 (hg19) VCF-style: chr2-189839255-G-T.
Other names: short protein forms A14S.
Identifiers: ClinVar variation 922789 (VCV000922789.7), dbSNP rs547373542, ClinGen allele CA076453.

ClinVar aggregate classification (germline): Uncertain significance. Review status: criteria provided, multiple submitters, no conflicts (2 of 4 stars). 3 submissions from 3 submitters: Uncertain significance (3). Last evaluated 2026-02-13.

Conditions:
Ehlers-Danlos syndrome, type 4 (EDSVASC). Also called: Ehlers-Danlos Syndrome Type IV; Ehlers-Danlos syndrome vascular type; Ehlers Danlos syndrome, ecchymotic type; Ehlers Danlos syndrome, arterial type; Ehlers Danlos syndrome, Sack-Barabas type. Identifiers: Orphanet 286, MedGen C0268338, MONDO:0017314, OMIM 130050.
Familial thoracic aortic aneurysm and aortic dissection (TAAD). Also called: Thoracic aortic aneurysms and dissections. Identifiers: Orphanet 91387, MedGen C4707243, MONDO:0019625.

Allele frequency attached by ClinVar (database versions not stated): gnomAD exomes 0.00001; ExAC 0.00002; 1000 Genomes Project 30x 0.00016; 1000 Genomes Project 0.00020.
gnomAD v4.1: 8 of 1,614,022 alleles (0.0005%); highest among the groups gnomAD compares: African/African-American, 0.0053%; no homozygotes.

Submissions (3):

Ambry Genetics
Classification: Uncertain significance for Familial thoracic aortic aneurysm and aortic dissection. Last evaluated: 2026-02-13. Review status: criteria provided, single submitter. Criteria: Ambry Variant Classification Scheme 2023. Collection method: clinical testing. Allele origin: germline.
Comment: The p.A14S variant (also known as c.40G>T), located in coding exon 1 of the COL3A1 gene, results from a G to T substitution at nucleotide position 40. The alanine at codon 14 is replaced by serine, an amino acid with similar properties. This amino acid position is conserved. In addition, this alteration is predicted to be tolerated by in silico analysis. Based on the available evidence, the clinical significance of this variant remains unclear.

Color Diagnostics, LLC DBA Color Health
Classification: Uncertain significance for Familial thoracic aortic aneurysm and aortic dissection. Last evaluated: 2024-03-06. Review status: criteria provided, single submitter. Criteria: ACMG Guidelines, 2015. Collection method: clinical testing. Allele origin: germline.
Comment: This missense variant replaces alanine with serine at codon 14 of the COL3A1 protein. Computational prediction suggests that this variant may not impact protein structure and function (internally defined REVEL score threshold <= 0.5, PMID: 27666373). To our knowledge, functional studies have not been reported for this variant. This variant has not been reported in individuals affected with COL3A1-related disorders in the literature. This variant has been identified in 3/251394 chromosomes in the general population by the Genome Aggregation Database (gnomAD). The available evidence is insufficient to determine the role of this variant in disease conclusively. Therefore, this variant is classified as a Variant of Uncertain Significance.

All of Us Research Program, National Institutes of Health
Classification: Uncertain significance for Ehlers-Danlos syndrome, type 4. Last evaluated: 2023-06-08. Review status: criteria provided, single submitter. Criteria: ACMG Guidelines, 2015. Collection method: clinical testing. Allele origin: germline. Inheritance: Autosomal dominant inheritance. Observed: 1 variant allele, 1 heterozygote.
Comment: Variant of Uncertain Significance due to insufficient evidence: This missense variant is located in the signal peptide sequence of the COL3A1 protein. Computational prediction tools and conservation analyses suggest that this variant may not impact the protein function. Computational splicing tools suggest that this variant may not impact RNA splicing. To our knowledge, functional assays have not been performed for this variant nor has this variant been reported in individuals affected with cardiovascular disorders in the literature. This variant has been identified in 3/246162 chromosomes in the general population by the Genome Aggregation Database (gnomAD). Available evidence is insufficient to determine the pathogenicity of this variant conclusively.

This study involves interpretation of variants in research participants for the purpose of population health screening. Participant phenotype was not available at the time of variant classification. Additional details can be found in publication PMID: 35346344, PMCID: PMC8962531